The following is an entry in ClinVar:

NM_000138.5(FBN1):c.5788+2T>C

Gene: FBN1 (fibrillin 1; minus strand). Cytogenetic location: 15q21.1.
Variant type: single nucleotide variant.
Coding change: c.5788+2T>C on transcript NM_000138.5 (MANE Select); the canonical splice donor site of the intron after coding-DNA position 5788, T replaced by C.
Molecular consequence: splice donor variant.
Genome position (GRCh38, 1-based): chr15:48,446,704, A>G on the plus strand (T>C on the coding strand, the complement: FBN1 is on the minus strand). VCF-style: chr15-48446704-A-G. GRCh37 (hg19) VCF-style: chr15-48738901-A-G.
Other names: c.5788+2T>C (NM_001406716.1).
Identifiers: ClinVar variation 457234 (VCV000457234.7), dbSNP rs1555395818, ClinGen allele CA392340988.

ClinVar aggregate classification (germline): Likely pathogenic (1 of 4 stars; one submission).

Conditions:
Marfan syndrome (MFS). Also called: MARFAN SYNDROME, TYPE I; FBN1-Related Marfan Syndrome; Marfan syndrome type 1; Marfan's syndrome; Marfan syndrome, classic. Identifiers: Orphanet 284963, Orphanet 558, MedGen C0024796, MONDO:0007947, OMIM 154700.
Familial thoracic aortic aneurysm and aortic dissection (TAAD). Also called: Thoracic aortic aneurysms and dissections. Identifiers: Orphanet 91387, MedGen C4707243, MONDO:0019625.

Submission:

Labcorp Genetics (formerly Invitae), Labcorp
Classification: Likely pathogenic for Marfan syndrome; Familial thoracic aortic aneurysm and aortic dissection. Last evaluated: 2017-05-29. Review status: criteria provided, single submitter. Criteria: Invitae Variant Classification Sherloc (09022015). Collection method: clinical testing. Allele origin: germline.
Comment: In summary, the currently available evidence indicates that the variant is pathogenic, but additional data are needed to prove that conclusively. Therefore, this variant has been classified as Likely Pathogenic. This sequence change affects a donor splice site in intron 47 of the FBN1 gene. It is expected to disrupt RNA splicing and likely results in an absent or disrupted protein product. This variant is not present in population databases (ExAC no frequency). This variant has not been reported in the literature in individuals with a FBN1-related disease. Algorithms developed to predict the effect of sequence changes on RNA splicing suggest that this variant may disrupt the consensus splice site, but this prediction has not been confirmed by published transcriptional studies. Donor and acceptor splice site variants typically lead to a loss of protein function (PMID: 16199547), and loss-of-function variants in FBN1 are known to be pathogenic (PMID: 17657824, 19293843).

Literature cited by the submitters: PubMed 16199547; PubMed 17657824; PubMed 19293843.